The following is an entry in ClinVar:

ClinVar aggregate classification (germline): Likely benign (0 of 4 stars; one submission).

Conditions:
BBS12-related disorder. Also called: BBS12-related condition.

Allele frequency attached by ClinVar (database versions not stated): ExAC 0.00005; gnomAD 0.00009; TOPMed 0.00012; ESP Exome Variant Server 0.00031.

Submission:

PreventionGenetics, part of Exact Sciences
Classification: Likely benign for BBS12-related condition. Last evaluated: 2021-03-31. Review status: no assertion criteria provided. Collection method: clinical testing. Allele origin: germline.
Comment: This variant is classified as likely benign based on ACMG/AMP sequence variant interpretation guidelines (Richards et al. 2015 PMID: 25741868, with internal and published modifications).

NM_152618.3(BBS12):c.*1T>C

Gene: BBS12 (Bardet-Biedl syndrome 12; plus strand). Cytogenetic location: 4q27.
Variant type: single nucleotide variant.
Coding change: c.*1T>C on transcript NM_152618.3 (MANE Select); 1 bases downstream of the stop codon, T replaced by C.
Molecular consequence: 3 prime UTR variant.
Genome position (GRCh38, 1-based): chr4:122,744,026, T>C. VCF-style: chr4-122744026-T-C. GRCh37 (hg19) VCF-style: chr4-123665181-T-C.
Other names: c.*1T>C (NM_001178007.2).
Identifiers: ClinVar variation 3050169 (VCV003050169.2), dbSNP rs375124204, ClinGen allele CA3069570.